The following is an entry in ClinVar:

NM_015425.6(POLR1A):c.2062G>C (p.Val688Leu)

Gene: POLR1A (RNA polymerase I subunit A; minus strand). Cytogenetic location: 2p11.2.
Variant type: single nucleotide variant.
Coding change: c.2062G>C on transcript NM_015425.6 (MANE Select); coding-DNA position 2062, G replaced by C.
Protein change: p.Val688Leu; replaces valine 688 with leucine.
Molecular consequence: missense variant.
Genome position (GRCh38, 1-based): chr2:86,054,286, C>G on the plus strand (G>C on the coding strand, the complement: POLR1A is on the minus strand). VCF-style: chr2-86054286-C-G. GRCh37 (hg19) VCF-style: chr2-86281409-C-G.
Other names: short protein forms V688L.
Identifiers: ClinVar variation 3695361 (VCV003695361.2).

ClinVar aggregate classification (germline): Uncertain significance (1 of 4 stars; one submission).

Submission:

Labcorp Genetics (formerly Invitae), Labcorp
Classification: Uncertain significance. Last evaluated: 2024-04-01. Review status: criteria provided, single submitter. Criteria: Invitae Variant Classification Sherloc (09022015). Collection method: clinical testing. Allele origin: germline.
Comment: This sequence change replaces valine, which is neutral and non-polar, with leucine, which is neutral and non-polar, at codon 688 of the POLR1A protein (p.Val688Leu). This variant is not present in population databases (gnomAD no frequency). This variant has not been reported in the literature in individuals affected with POLR1A-related conditions. Advanced modeling of protein sequence and biophysical properties (such as structural, functional, and spatial information, amino acid conservation, physicochemical variation, residue mobility, and thermodynamic stability) performed at Invitae indicates that this missense variant is not expected to disrupt POLR1A protein function with a negative predictive value of 80%. In summary, the available evidence is currently insufficient to determine the role of this variant in disease. Therefore, it has been classified as a Variant of Uncertain Significance.